The following is an entry in ClinVar:

NM_000059.4(BRCA2):c.7805+1641T>C

Gene: BRCA2 (BRCA2 DNA repair associated; plus strand). Cytogenetic location: 13q13.1.
Variant type: single nucleotide variant.
Coding change: c.7805+1641T>C on transcript NM_000059.4 (MANE Select); 1641 bases into the intron after coding-DNA position 7805, T replaced by C.
Molecular consequence: intron variant.
Genome position (GRCh38, 1-based): chr13:32,359,570, T>C. VCF-style: chr13-32359570-T-C. GRCh37 (hg19) VCF-style: chr13-32933707-T-C.
Identifiers: ClinVar variation 264902 (VCV000264902.1), dbSNP rs534750592, ClinGen allele CA10588129.
Genomic context (GRCh38, chr13:32,359,570, plus strand): 5'-ATTATGCCAGTGGCAAAAGATGGGATTTATTTCCTCAGCATCCTTATCTTTAAATTTCTG[T>C]ACATCTTTCCAAAATTTATAGCTTTGGAAAAGTGATAAAACTTTTTTTCCTGAATTTTGT-3'

ClinVar aggregate classification (germline): Benign (3 of 4 stars; one submission).

Conditions:
Breast-ovarian cancer, familial, susceptibility to, 2 (BROVCA2). Also called: BRCA2 Hereditary Breast and Ovarian Cancer. Identifiers: Orphanet 145, MedGen C2675520, MONDO:0012933, OMIM 612555. Disease mechanism: loss of function.

Allele frequency attached by ClinVar (database versions not stated): gnomAD below 0.00001 and 0.00019; TOPMed 0.00006; 1000 Genomes Project 0.00200; 1000 Genomes Project 30x 0.00219.
gnomAD v4.1: 29 of 152,370 alleles (0.019%); highest among the groups gnomAD compares: South Asian, 0.6%; no homozygotes.

Submission:

Evidence-based Network for the Interpretation of Germline Mutant Alleles (ENIGMA)
Classification: Benign for Breast-ovarian cancer, familial, susceptibility to, 2. Last evaluated: 2016-09-28. Review status: reviewed by expert panel. Criteria: ENIGMA BRCA1/2 Classification Criteria (2015). Collection method: curation. Allele origin: germline.
Comment: Class 1 not pathogenic based on frequency >1% in an outbred sampleset. Frequency 0.0102 (South Asian), derived from 1000 genomes (2013-05-02).